The following is an entry in ClinVar:

ClinVar aggregate classification (germline): Uncertain significance (1 of 4 stars; one submission).

Submission:

Ambry Genetics
Classification: Uncertain significance. Last evaluated: 2021-08-02. Review status: criteria provided, single submitter. Criteria: Ambry Variant Classification Scheme 2023. Collection method: clinical testing. Allele origin: germline.
Comment: The p.I91F variant (also known as c.271A>T), located in coding exon 3 of the PRKDC gene, results from an A to T substitution at nucleotide position 271. The isoleucine at codon 91 is replaced by phenylalanine, an amino acid with highly similar properties. This amino acid position is conserved. In addition, this alteration is predicted to be tolerated by in silico analysis. Since supporting evidence is limited at this time, the clinical significance of this alteration remains unclear.

NM_006904.7(PRKDC):c.271A>T (p.Ile91Phe)

Gene: PRKDC (protein kinase, DNA-activated, catalytic subunit; minus strand). Cytogenetic location: 8q11.21.
Variant type: single nucleotide variant.
Coding change: c.271A>T on transcript NM_006904.7 (MANE Select); coding-DNA position 271, A replaced by T.
Protein change: p.Ile91Phe; replaces isoleucine 91 with phenylalanine.
Molecular consequence: missense variant.
Genome position (GRCh38, 1-based): chr8:47,957,224, T>A on the plus strand (A>T on the coding strand, the complement: PRKDC is on the minus strand). VCF-style: chr8-47957224-T-A. GRCh37 (hg19) VCF-style: chr8-48869784-T-A.
Other names: c.271A>T, p.Ile91Phe (NM_001081640.2); short protein forms I91F.
Identifiers: ClinVar variation 1795155 (VCV001795155.2), dbSNP rs774309614, ClinGen allele CA371141057.